The following is an entry in ClinVar:

NM_001128840.3(CACNA1D):c.1842G>A (p.Gly614=)

Gene: CACNA1D (calcium voltage-gated channel subunit alpha1 D; plus strand). Cytogenetic location: 3p21.1.
Variant type: single nucleotide variant.
Coding change: c.1842G>A on transcript NM_001128840.3 (MANE Select); coding-DNA position 1842, G replaced by A.
Protein change: p.Gly614=; no amino-acid change (glycine 614 retained).
Molecular consequence: synonymous variant.
Genome position (GRCh38, 1-based): chr3:53,723,609, G>A. VCF-style: chr3-53723609-G-A. GRCh37 (hg19) VCF-style: chr3-53757636-G-A.
Other names: c.1902G>A, p.Gly634= (NM_000720.4); c.1842G>A, p.Gly614= (NM_001128839.3).
Identifiers: ClinVar variation 1942800 (VCV001942800.6), dbSNP rs1209404228, ClinGen allele CA433895396.

ClinVar aggregate classification (germline): Likely benign. Review status: criteria provided, multiple submitters, no conflicts (2 of 4 stars). 2 submissions from 2 submitters: Likely benign (2). Last evaluated 2024-10-15.

Allele frequency attached by ClinVar (database versions not stated): gnomAD exomes below 0.00001; gnomAD 0.00002; TOPMed 0.00002.
gnomAD v4.1: 5 of 1,614,018 alleles (0.00031%); highest among the groups gnomAD compares: African/African-American, 0.0027%; no homozygotes.

Submissions (2):

Labcorp Genetics (formerly Invitae), Labcorp
Classification: Likely benign. Last evaluated: 2024-10-15. Review status: criteria provided, single submitter. Criteria: Invitae Variant Classification Sherloc (09022015). Collection method: clinical testing. Allele origin: germline.

Women's Health and Genetics/Laboratory Corporation of America, LabCorp
Classification: Likely benign. Last evaluated: 2023-11-07. Review status: criteria provided, single submitter. Criteria: LabCorp Variant Classification Summary - May 2015. Collection method: clinical testing. Allele origin: germline.
Comment: Variant summary: CACNA1D c.1902G>A alters a conserved nucleotide resulting in a synonymous change. Consensus agreement among computation tools predict no significant impact on normal splicing. However, these predictions have yet to be confirmed by functional studies. The variant allele was found at a frequency of 4e-06 in 251494 control chromosomes. The available data on variant occurrences in the general population are insufficient to allow any conclusion about variant significance. To our knowledge, no occurrence of c.1902G>A in individuals affected with Sinoatrial Node Dysfunction And Deafness and no experimental evidence demonstrating its impact on protein function have been reported. One submitter has cited clinical-significance assessments for this variant to ClinVar after 2014 and has classified the variant as likely benign. Based on the evidence outlined above, the variant was classified as likely benign.